The following is an entry in ClinVar:

ClinVar aggregate classification (germline): Uncertain significance (1 of 4 stars; one submission).

Conditions:
Craniolenticulosutural dysplasia (CLSD). Also called: BOYADJIEV-JABS SYNDROME. Identifiers: Orphanet 50814, MedGen C1843042, MONDO:0011911, OMIM 607812.

Submission:

Labcorp Genetics (formerly Invitae), Labcorp
Classification: Uncertain significance for Craniolenticulosutural dysplasia. Last evaluated: 2024-06-13. Review status: criteria provided, single submitter. Criteria: Invitae Variant Classification Sherloc (09022015). Collection method: clinical testing. Allele origin: germline.
Comment: This sequence change replaces glutamine, which is neutral and polar, with arginine, which is basic and polar, at codon 519 of the SEC23A protein (p.Gln519Arg). This variant is present in population databases (rs768944205, gnomAD 0.0009%). This variant has not been reported in the literature in individuals affected with SEC23A-related conditions. Advanced modeling of protein sequence and biophysical properties (such as structural, functional, and spatial information, amino acid conservation, physicochemical variation, residue mobility, and thermodynamic stability) performed at Invitae indicates that this missense variant is expected to disrupt SEC23A protein function with a positive predictive value of 80%. In summary, the available evidence is currently insufficient to determine the role of this variant in disease. Therefore, it has been classified as a Variant of Uncertain Significance.

NM_006364.4(SEC23A):c.1556A>G (p.Gln519Arg)

Gene: SEC23A (SEC23 homolog A, COPII component; minus strand). Cytogenetic location: 14q21.1.
Variant type: single nucleotide variant.
Coding change: c.1556A>G on transcript NM_006364.4 (MANE Select); coding-DNA position 1556, A replaced by G.
Protein change: p.Gln519Arg; replaces glutamine 519 with arginine.
Molecular consequence: missense variant.
Genome position (GRCh38, 1-based): chr14:39,055,246, T>C on the plus strand (A>G on the coding strand, the complement: SEC23A is on the minus strand). VCF-style: chr14-39055246-T-C. GRCh37 (hg19) VCF-style: chr14-39524450-T-C.
Other names: short protein forms Q519R.
Identifiers: ClinVar variation 3666598 (VCV003666598.2).